The following is an entry in ClinVar:

NM_003839.4(TNFRSF11A):c.382C>T (p.Arg128Cys)

Gene: TNFRSF11A (TNF receptor superfamily member 11a; plus strand). Cytogenetic location: 18q21.33.
Variant type: single nucleotide variant.
Coding change: c.382C>T on transcript NM_003839.4 (MANE Select); coding-DNA position 382, C replaced by T.
Protein change: p.Arg128Cys; replaces arginine 128 with cysteine.
Molecular consequence: missense variant.
Genome position (GRCh38, 1-based): chr18:62,354,489, C>T. VCF-style: chr18-62354489-C-T. GRCh37 (hg19) VCF-style: chr18-60021722-C-T.
Other names: c.382C>T, p.Arg128Cys (NM_001270949.2, NM_001270950.2, NM_001270951.2 and 1 more transcripts); short protein forms R128C.
Identifiers: ClinVar variation 3715910 (VCV003715910.2).

ClinVar aggregate classification (germline): Uncertain significance (1 of 4 stars; one submission).

gnomAD v4.1: 2 of 1,602,078 alleles (0.00012%); highest among the groups gnomAD compares: Non-Finnish European, 0.00017%; no homozygotes.

Submission:

Labcorp Genetics (formerly Invitae), Labcorp
Classification: Uncertain significance. Last evaluated: 2024-11-27. Review status: criteria provided, single submitter. Criteria: Invitae Variant Classification Sherloc (09022015). Collection method: clinical testing. Allele origin: germline.
Comment: This sequence change replaces arginine, which is basic and polar, with cysteine, which is neutral and slightly polar, at codon 128 of the TNFRSF11A protein (p.Arg128Cys). This variant is not present in population databases (gnomAD no frequency). This variant has not been reported in the literature in individuals affected with TNFRSF11A-related conditions. Invitae Evidence Modeling of protein sequence and biophysical properties (such as structural, functional, and spatial information, amino acid conservation, physicochemical variation, residue mobility, and thermodynamic stability) indicates that this missense variant is expected to disrupt TNFRSF11A protein function with a positive predictive value of 80%. In summary, the available evidence is currently insufficient to determine the role of this variant in disease. Therefore, it has been classified as a Variant of Uncertain Significance.